The following is an entry in ClinVar:

ClinVar aggregate classification (germline): Uncertain significance. Review status: criteria provided, multiple submitters, no conflicts (2 of 4 stars). 2 submissions from 2 submitters: Uncertain significance (2). Last evaluated 2025-03-23.

Conditions:
Cardiovascular phenotype. Identifiers: MedGen CN230736.
Cardiomyopathy (CMYO). Also called: Cardiomyopathies. Identifiers: Orphanet 167848, MedGen C0878544, MONDO:0004994, HP:0001638. Inheritance: Various modes of inheritance.

Allele frequency attached by ClinVar (database versions not stated): gnomAD exomes below 0.00001.
gnomAD v4.1: 5 of 1,614,132 alleles (0.00031%); highest among the groups gnomAD compares: Non-Finnish European, 0.00042%; no homozygotes.

Submissions (2):

Ambry Genetics
Classification: Uncertain significance for Cardiovascular phenotype. Last evaluated: 2025-03-23. Review status: criteria provided, single submitter. Criteria: Ambry Variant Classification Scheme 2023. Collection method: clinical testing. Allele origin: germline.
Comment: The p.E414K variant (also known as c.1240G>A), located in coding exon 11 of the ACTN2 gene, results from a G to A substitution at nucleotide position 1240. The glutamic acid at codon 414 is replaced by lysine, an amino acid with similar properties. This amino acid position is highly conserved in available vertebrate species. In addition, this alteration is predicted to be deleterious by in silico analysis. Since supporting evidence is limited at this time, the clinical significance of this alteration remains unclear.

CHEO Genetics Diagnostic Laboratory, Children's Hospital of Eastern Ontario
Classification: Uncertain significance for Cardiomyopathy. Last evaluated: 2020-06-16. Review status: criteria provided, single submitter. Criteria: ACMG Guidelines, 2015. Collection method: clinical testing. Allele origin: germline. Study: Canadian Open Genetics Repository.

NM_001103.4(ACTN2):c.1240G>A (p.Glu414Lys)

Gene: ACTN2 (actinin alpha 2; plus strand). Cytogenetic location: 1q43.
Variant type: single nucleotide variant.
Coding change: c.1240G>A on transcript NM_001103.4 (MANE Select); coding-DNA position 1240, G replaced by A.
Protein change: p.Glu414Lys; replaces glutamic acid 414 with lysine.
Molecular consequence: missense variant.
Genome position (GRCh38, 1-based): chr1:236,743,028, G>A. VCF-style: chr1-236743028-G-A. GRCh37 (hg19) VCF-style: chr1-236906328-G-A.
Other names: c.1240G>A, p.Glu414Lys (NM_001278343.2); c.616G>A, p.Glu206Lys (NM_001278344.2); short protein forms E414K, E206K.
Identifiers: ClinVar variation 626372 (VCV000626372.6), dbSNP rs1558243189, ClinGen allele CA345382492.